The following is an entry in ClinVar:

ClinVar aggregate classification (germline): Uncertain significance. Review status: criteria provided, multiple submitters, no conflicts (2 of 4 stars). 3 submissions from 3 submitters: Uncertain significance (3). Last evaluated 2025-12-03.

Conditions:
Age related macular degeneration 1 (ARMD1). Also called: MACULOPATHY, AGE-RELATED, 1. Identifiers: MedGen C1864205, MONDO:0011285, OMIM 603075.

Allele frequency attached by ClinVar (database versions not stated): gnomAD 0.00002; gnomAD exomes 0.00002; ExAC 0.00003; TOPMed 0.00003; 1000 Genomes Project 30x 0.00016; 1000 Genomes Project 0.00020.

Submissions (3):

Ambry Genetics
Classification: Uncertain significance. Last evaluated: 2025-12-03. Review status: criteria provided, single submitter. Criteria: Ambry Variant Classification Scheme 2023. Collection method: clinical testing. Allele origin: germline.

Labcorp Genetics (formerly Invitae), Labcorp
Classification: Uncertain significance. Last evaluated: 2024-06-20. Review status: criteria provided, single submitter. Criteria: Invitae Variant Classification Sherloc (09022015). Collection method: clinical testing. Allele origin: germline.
Comment: This sequence change replaces arginine, which is basic and polar, with cysteine, which is neutral and slightly polar, at codon 261 of the HMCN1 protein (p.Arg261Cys). This variant is present in population databases (rs201263871, gnomAD 0.009%). This variant has not been reported in the literature in individuals affected with HMCN1-related conditions. ClinVar contains an entry for this variant (Variation ID: 2173647). An algorithm developed to predict the effect of missense changes on protein structure and function (PolyPhen-2) suggests that this variant is likely to be tolerated. In summary, the available evidence is currently insufficient to determine the role of this variant in disease. Therefore, it has been classified as a Variant of Uncertain Significance.

Genome-Nilou Lab
Classification: Uncertain significance for Age related macular degeneration 1. Last evaluated: 2023-04-11. Review status: criteria provided, single submitter. Criteria: ACMG Guidelines, 2015. Collection method: clinical testing. Allele origin: germline. Affected: no.

NM_031935.3(HMCN1):c.781C>T (p.Arg261Cys)

Gene: HMCN1 (hemicentin 1; plus strand). Cytogenetic location: 1q31.1.
Variant type: single nucleotide variant.
Coding change: c.781C>T on transcript NM_031935.3 (MANE Select); coding-DNA position 781, C replaced by T.
Protein change: p.Arg261Cys; replaces arginine 261 with cysteine.
Molecular consequence: missense variant.
Genome position (GRCh38, 1-based): chr1:185,909,496, C>T. VCF-style: chr1-185909496-C-T. GRCh37 (hg19) VCF-style: chr1-185878628-C-T.
Other names: c.781C>T (NM_031935.2); short protein forms R261C.
Identifiers: ClinVar variation 2173647 (VCV002173647.7), dbSNP rs201263871, ClinGen allele CA1290931.